The following is an entry in ClinVar:

ClinVar aggregate classification (germline): Likely benign. Review status: criteria provided, multiple submitters, no conflicts (2 of 4 stars). 4 submissions from 4 submitters: Likely benign (4). Last evaluated 2026-09-01.

Allele frequency attached by ClinVar (database versions not stated): ESP Exome Variant Server 0.00123; ExAC 0.00127; TOPMed 0.00091; gnomAD 0.00094 and 0.00101; 1000 Genomes Project 0.00100; 1000 Genomes Project 30x 0.00109.
gnomAD v4.1: 2,114 of 1,604,828 alleles (0.13%); highest among the groups gnomAD compares: South Asian, 0.24%; 3 homozygotes.

Submissions (4):

CeGaT Center for Human Genetics Tuebingen
Classification: Likely benign. Last evaluated: 2026-09-01. Review status: criteria provided, single submitter. Criteria: CeGaT Center For Human Genetics Tuebingen Variant Classification Criteria Version 2. Collection method: clinical testing. Allele origin: germline. Affected: yes. Observed: 5 variant alleles.
Comment: DONSON: BP4

Labcorp Genetics (formerly Invitae), Labcorp
Classification: Likely benign. Last evaluated: 2026-01-20. Review status: criteria provided, single submitter. Criteria: Invitae Variant Classification Sherloc (09022015). Collection method: clinical testing. Allele origin: germline.

Blueprint Genetics
Classification: Likely benign. Last evaluated: 2024-11-11. Review status: criteria provided, single submitter. Criteria: ACMG Guidelines, 2015. Collection method: clinical testing. Allele origin: germline.

Breakthrough Genomics
Classification: Likely benign. Review status: criteria provided, single submitter. Criteria: ACMG Guidelines, 2015. Collection method: not provided. Allele origin: germline. Inheritance: Autosomal recessive inheritance. Affected: yes.

NM_017613.4(DONSON):c.1546G>C (p.Asp516His)

Gene: DONSON (DNA replication fork stabilization factor DONSON; minus strand). Cytogenetic location: 21q22.11.
Variant type: single nucleotide variant.
Coding change: c.1546G>C on transcript NM_017613.4 (MANE Select); coding-DNA position 1546, G replaced by C.
Protein change: p.Asp516His; replaces aspartic acid 516 with histidine.
Molecular consequence: missense variant.
Genome position (GRCh38, 1-based): chr21:33,579,367, C>G on the plus strand (G>C on the coding strand, the complement: DONSON is on the minus strand). VCF-style: chr21-33579367-C-G. GRCh37 (hg19) VCF-style: chr21-34951673-C-G.
Other names: short protein forms D516H.
Identifiers: ClinVar variation 1565140 (VCV001565140.36), dbSNP rs145014824, ClinGen allele CA10010292.